The following is an entry in ClinVar:

NM_001048174.2(MUTYH):c.961T>A (p.Trp321Arg)

Gene: MUTYH (mutY DNA glycosylase; minus strand). Cytogenetic location: 1p34.1.
Variant type: single nucleotide variant.
Coding change: c.961T>A on transcript NM_001048174.2 (MANE Select); coding-DNA position 961, T replaced by A.
Protein change: p.Trp321Arg; replaces tryptophan 321 with arginine.
Molecular consequence: missense variant. On other transcripts: non-coding transcript variant (2).
Genome position (GRCh38, 1-based): chr1:45,331,802, A>T on the plus strand (T>A on the coding strand, the complement: MUTYH is on the minus strand). VCF-style: chr1-45331802-A-T. GRCh37 (hg19) VCF-style: chr1-45797474-A-T.
Other names: c.961T>A, p.Trp321Arg (NM_001048171.2, NM_001048173.2, NM_001293195.2); c.964T>A, p.Trp322Arg (NM_001048172.2); c.1045T>A, p.Trp349Arg (NM_001128425.2); c.1006T>A, p.Trp336Arg (NM_001293190.2); c.994T>A, p.Trp332Arg (NM_001293191.2); c.685T>A, p.Trp229Arg (NM_001293192.2, NM_001293196.2); c.616T>A, p.Trp206Arg (NM_001350650.2, NM_001350651.2); c.1036T>A, p.Trp346Arg (NM_012222.3); short protein forms W349R, W206R, W229R, W321R, W332R, W336R, W346R, W322R.
Identifiers: ClinVar variation 631054 (VCV000631054.9), dbSNP rs1557465355, ClinGen allele CA340133778.

ClinVar aggregate classification (germline): Uncertain significance. Review status: criteria provided, multiple submitters, no conflicts (2 of 4 stars). 3 submissions from 3 submitters: Uncertain significance (3). Last evaluated 2025-06-05.

Conditions:
Familial adenomatous polyposis 2. Also called: COLORECTAL ADENOMATOUS POLYPOSIS, AUTOSOMAL RECESSIVE; ADENOMAS, MULTIPLE COLORECTAL, AUTOSOMAL RECESSIVE; MUTYH-associated polyposis; MUTYH-related attenuated familial adenomatous polyposis; MUTYH Polyposis; Adenomas, multiple colorectal. Identifiers: Orphanet 220460, Orphanet 247798, MedGen C3272841, MONDO:0012041, OMIM 608456.
Hereditary cancer-predisposing syndrome. Also called: Neoplastic Syndromes, Hereditary; Hereditary Cancer Syndrome; Tumor predisposition; Hereditary neoplastic syndrome. Identifiers: Orphanet 140162, MedGen C0027672, MeSH D009386, MONDO:0015356.

Submissions (3):

Labcorp Genetics (formerly Invitae), Labcorp
Classification: Uncertain significance for Familial adenomatous polyposis 2. Last evaluated: 2025-06-05. Review status: criteria provided, single submitter. Criteria: Invitae Variant Classification Sherloc (09022015). Collection method: clinical testing. Allele origin: germline.
Comment: This sequence change replaces tryptophan, which is neutral and slightly polar, with arginine, which is basic and polar, at codon 349 of the MUTYH protein (p.Trp349Arg). This variant is not present in population databases (gnomAD no frequency). This variant has not been reported in the literature in individuals affected with MUTYH-related conditions. ClinVar contains an entry for this variant (Variation ID: 631054). An algorithm developed to predict the effect of missense changes on protein structure and function (PolyPhen-2) suggests that this variant is likely to be disruptive. In summary, the available evidence is currently insufficient to determine the role of this variant in disease. Therefore, it has been classified as a Variant of Uncertain Significance.

Ambry Genetics
Classification: Uncertain significance for Hereditary cancer-predisposing syndrome. Last evaluated: 2024-10-20. Review status: criteria provided, single submitter. Criteria: Ambry Variant Classification Scheme 2023. Collection method: clinical testing. Allele origin: germline.
Comment: The p.W349R variant (also known as c.1045T>A), located in coding exon 12 of the MUTYH gene, results from a T to A substitution at nucleotide position 1045. The tryptophan at codon 349 is replaced by arginine, an amino acid with dissimilar properties. This amino acid position is conserved. In addition, this alteration is predicted to be deleterious by in silico analysis. Based on the available evidence, the clinical significance of this variant remains unclear.

Color Diagnostics, LLC DBA Color Health
Classification: Uncertain significance for Hereditary cancer-predisposing syndrome. Last evaluated: 2023-12-05. Review status: criteria provided, single submitter. Criteria: ACMG Guidelines, 2015. Collection method: clinical testing. Allele origin: germline.
Comment: This missense variant replaces tryptophan with arginine at codon 349 of the MUTYH protein. Computational prediction suggests that this variant may not impact protein structure and function (internally defined REVEL score threshold <= 0.5, PMID: 27666373). To our knowledge, functional studies have not been reported for this variant. This variant has not been reported in individuals affected with MUTYH-related disorders in the literature. This variant has not been identified in the general population by the Genome Aggregation Database (gnomAD). The available evidence is insufficient to determine the role of this variant in disease conclusively. Therefore, this variant is classified as a Variant of Uncertain Significance.